The following is an entry in ClinVar:

ClinVar aggregate classification (germline): Likely pathogenic (1 of 4 stars; one submission).

Conditions:
Autosomal recessive limb-girdle muscular dystrophy type 2J (LGMDR10). Also called: Limb-girdle muscular dystrophy, type 2J; MUSCULAR DYSTROPHY, LIMB-GIRDLE, AUTOSOMAL RECESSIVE 10. Identifiers: Orphanet 140922, MedGen C1837342, MONDO:0012127, OMIM 608807.
Dilated cardiomyopathy 1G (CMD1G). Identifiers: Orphanet 154, MedGen C1858763, MONDO:0011400, OMIM 604145.

Submission:

Labcorp Genetics (formerly Invitae), Labcorp
Classification: Likely pathogenic for Dilated cardiomyopathy 1G; Autosomal recessive limb-girdle muscular dystrophy type 2J. Last evaluated: 2024-10-18. Review status: criteria provided, single submitter. Criteria: Invitae Variant Classification Sherloc (09022015). Collection method: clinical testing. Allele origin: germline.
Comment: This sequence change affects a splice site in intron 31 of the TTN gene. It is expected to disrupt RNA splicing and likely results in a truncated or disrupted TTN protein. This variant is not present in population databases (gnomAD no frequency). This variant has not been reported in the literature in individuals affected with TTN-related conditions. Algorithms developed to predict the effect of sequence changes on RNA splicing suggest that this variant may disrupt the consensus splice site. This variant is located in the I band of TTN (PMID: 25589632). Truncating variants in this region have been reported in individuals affected with autosomal recessive centronuclear myopathy (PMID: 23975875, internal data). Truncating variants in this region have also been identified in individuals affected with autosomal dominant dilated cardiomyopathy and/or cardio-related conditions (PMID: 27869827, 32964742, internal data). In summary, the currently available evidence indicates that the variant is pathogenic, but additional data are needed to prove that conclusively. Therefore, this variant has been classified as Likely Pathogenic.

Literature cited by the submitters: PubMed 25589632; PubMed 23975875; PubMed 27869827; PubMed 32964742.

NM_001267550.2(TTN):c.7330+1_7330+8del

Genes: TTN (titin; minus strand), LOC126806433 (BRD4-independent group 4 enhancer GRCh37_chr2:179638309-179639508; plus strand). Cytogenetic location: 2q31.2.
Variant type: Deletion.
Coding change: c.7330+1_7330+8del on transcript NM_001267550.2 (MANE Select); the canonical splice donor site of the intron after coding-DNA position 7330 through 8 bases into the intron after coding-DNA position 7330, 8 bases deleted (GTGAGTCC; older notation c.7330+1_7330+8delGTGAGTCC).
Molecular consequence: splice donor variant.
Genome position (GRCh38, 1-based): chr2:178,773,830-178,773,837, GGACTCAC deleted on the plus strand (GTGAGTCC on the coding strand, the reverse complement: TTN is on the minus strand). VCF-style (leftmost placement, unchanged base first): chr2-178773829-AGGACTCAC-A. GRCh37 (hg19) VCF-style: chr2-179638556-AGGACTCAC-A.
Other names: c.7192+1_7192+8del (NM_003319.4, NM_133437.4, NM_133432.3); c.7330+1_7330+8del (NM_133378.4, NM_001256850.1, NM_133379.5).
Identifiers: ClinVar variation 2952725 (VCV002952725.3), dbSNP rs2532692838, ClinGen allele CA2740095939.